The following is an entry in ClinVar:

NC_000019.9:g.(?_42363988)_(42410938_?)dup

Genes: ARHGEF1 (Rho guanine nucleotide exchange factor 1; plus strand), CD79A (CD79a molecule; plus strand), RPS19 (ribosomal protein S19; plus strand). Cytogenetic location: 19q13.2.
Variant type: Duplication.
Identifiers: ClinVar variation 3242732 (VCV003242732.1).

ClinVar aggregate classification (germline): Uncertain significance (1 of 4 stars; one submission).

Submission:

Labcorp Genetics (formerly Invitae), Labcorp
Classification: Uncertain significance. Last evaluated: 2022-12-07. Review status: criteria provided, single submitter. Criteria: Invitae Variant Classification Sherloc (09022015). Collection method: clinical testing. Allele origin: unknown.
Comment: In summary, the available evidence is currently insufficient to determine the role of this variant in disease. Therefore, it has been classified as a Variant of Uncertain Significance. This variant has not been reported in the literature in individuals affected with ARHGEF1-related conditions. A copy number gain of the genomic region encompassing the full coding sequence of the ARHGEF1 gene has been identified. The boundaries of this event are unknown as they extend beyond the assayed region for this gene and therefore may encompass additional genes. As the precise location of this event is unknown, it may be in tandem or it may be located elsewhere in the genome.